The following is an entry in ClinVar:

NM_001005242.3(PKP2):c.971C>T (p.Ala324Val)

Gene: PKP2 (plakophilin 2; minus strand). Cytogenetic location: 12p11.21.
Variant type: single nucleotide variant.
Coding change: c.971C>T on transcript NM_001005242.3 (MANE Select); coding-DNA position 971, C replaced by T.
Protein change: p.Ala324Val; replaces alanine 324 with valine.
Molecular consequence: missense variant.
Genome position (GRCh38, 1-based): chr12:32,877,909, G>A on the plus strand (C>T on the coding strand, the complement: PKP2 is on the minus strand). VCF-style: chr12-32877909-G-A. GRCh37 (hg19) VCF-style: chr12-33030843-G-A.
Other names: c.971C>T, p.Ala324Val (NM_004572.4); short protein forms A324V.
Identifiers: ClinVar variation 1171723 (VCV001171723.9), dbSNP rs529523595, ClinGen allele CA039698.

ClinVar aggregate classification (germline): Conflicting classifications of pathogenicity. Review status: criteria provided, conflicting classifications (1 of 4 stars). 2 submissions from 2 submitters: Uncertain significance (1); Likely benign (1). Last evaluated 2025-10-23.

Conditions:
Cardiomyopathy (CMYO). Also called: Cardiomyopathies. Identifiers: Orphanet 167848, MedGen C0878544, MONDO:0004994, HP:0001638. Inheritance: Various modes of inheritance.
Arrhythmogenic right ventricular dysplasia 9 (ARVD9). Also called: Arrhythmogenic Right Ventricular Dysplasia/Cardiomyopathy 9; ARRHYTHMOGENIC RIGHT VENTRICULAR DYSPLASIA, FAMILIAL, 9. Identifiers: MedGen C1836906, MONDO:0012180, OMIM 609040.

Allele frequency attached by ClinVar (database versions not stated): gnomAD 0.00001; TOPMed 0.00001; 1000 Genomes Project 30x 0.00016; 1000 Genomes Project 0.00020.
gnomAD v4.1: 17 of 1,614,102 alleles (0.0011%); highest among the groups gnomAD compares: South Asian, 0.0055%; no homozygotes.

Submissions (2):

Labcorp Genetics (formerly Invitae), Labcorp
Classification: Uncertain significance for Arrhythmogenic right ventricular dysplasia 9. Last evaluated: 2025-10-23. Review status: criteria provided, single submitter. Criteria: Invitae Variant Classification Sherloc (09022015). Collection method: clinical testing. Allele origin: germline.
Comment: This sequence change replaces alanine, which is neutral and non-polar, with valine, which is neutral and non-polar, at codon 324 of the PKP2 protein (p.Ala324Val). This variant is present in population databases (rs529523595, gnomAD 0.007%). This variant has not been reported in the literature in individuals affected with PKP2-related conditions. ClinVar contains an entry for this variant (Variation ID: 1171723). An algorithm developed to predict the effect of missense changes on protein structure and function outputs the following: PolyPhen-2: "Benign". The valine amino acid residue is found in multiple mammalian species, which suggests that this missense change does not adversely affect protein function. In summary, the available evidence is currently insufficient to determine the role of this variant in disease. Therefore, it has been classified as a Variant of Uncertain Significance.

Color Diagnostics, LLC DBA Color Health
Classification: Likely benign for Cardiomyopathy. Last evaluated: 2024-09-04. Review status: criteria provided, single submitter. Criteria: ACMG Guidelines, 2015. Collection method: clinical testing. Allele origin: germline.